The following is an entry in ClinVar:

ClinVar aggregate classification (germline): Uncertain significance (1 of 4 stars; one submission).

Conditions:
Propionic acidemia (PROP). Also called: GLYCINEMIA, KETOTIC; HYPERGLYCINEMIA WITH KETOACIDOSIS AND LEUKOPENIA; KETOTIC HYPERGLYCINEMIA. Identifiers: Orphanet 35, MedGen C0268579, MONDO:0011628, OMIM 606054, HP:0003571.

Allele frequency attached by ClinVar (database versions not stated): gnomAD exomes below 0.00001.
gnomAD v4.1: 1 of 1,605,054 alleles (0.000062%); highest among the groups gnomAD compares: Non-Finnish European, 0.000085%; no homozygotes.

Submission:

Labcorp Genetics (formerly Invitae), Labcorp
Classification: Uncertain significance for Propionic acidemia. Last evaluated: 2022-07-12. Review status: criteria provided, single submitter. Criteria: Invitae Variant Classification Sherloc (09022015). Collection method: clinical testing. Allele origin: germline.
Comment: This sequence change replaces lysine, which is basic and polar, with asparagine, which is neutral and polar, at codon 522 of the PCCA protein (p.Lys522Asn). This variant is not present in population databases (gnomAD no frequency). This variant has not been reported in the literature in individuals affected with PCCA-related conditions. ClinVar contains an entry for this variant (Variation ID: 1441723). Advanced modeling of protein sequence and biophysical properties (such as structural, functional, and spatial information, amino acid conservation, physicochemical variation, residue mobility, and thermodynamic stability) performed at Invitae indicates that this missense variant is not expected to disrupt PCCA protein function. Algorithms developed to predict the effect of sequence changes on RNA splicing suggest that this variant may disrupt the consensus splice site. In summary, the available evidence is currently insufficient to determine the role of this variant in disease. Therefore, it has been classified as a Variant of Uncertain Significance.

NM_000282.4(PCCA):c.1566G>T (p.Lys522Asn)

Gene: PCCA (propionyl-CoA carboxylase subunit alpha; plus strand). Cytogenetic location: 13q32.3.
Variant type: single nucleotide variant.
Coding change: c.1566G>T on transcript NM_000282.4 (MANE Select); coding-DNA position 1566, G replaced by T.
Protein change: p.Lys522Asn; replaces lysine 522 with asparagine.
Molecular consequence: missense variant. On other transcripts: non-coding transcript variant (5).
Genome position (GRCh38, 1-based): chr13:100,340,182, G>T. VCF-style: chr13-100340182-G-T. GRCh37 (hg19) VCF-style: chr13-100992436-G-T.
Other names: c.1488G>T, p.Lys496Asn (NM_001127692.3, NM_001352607.2); c.1566G>T, p.Lys522Asn (NM_001178004.2, NM_001352605.2, NM_001352609.2); c.1422G>T, p.Lys474Asn (NM_001352606.2); c.1344G>T, p.Lys448Asn (NM_001352608.2); c.621G>T, p.Lys207Asn (NM_001352610.2, NM_001352611.2); c.477G>T, p.Lys159Asn (NM_001352612.2); short protein forms K522N, K474N, K159N, K207N, K496N, K448N.
Identifiers: ClinVar variation 1441723 (VCV001441723.3), dbSNP rs2071087775, ClinGen allele CA388696350.